The following is an entry in ClinVar:

NM_006277.3(ITSN2):c.4190G>A (p.Arg1397Gln)

Gene: ITSN2 (intersectin 2; minus strand). Cytogenetic location: 2p23.3.
Variant type: single nucleotide variant.
Coding change: c.4190G>A on transcript NM_006277.3 (MANE Select); coding-DNA position 4190, G replaced by A.
Protein change: p.Arg1397Gln; replaces arginine 1397 with glutamine.
Molecular consequence: missense variant.
Genome position (GRCh38, 1-based): chr2:24,210,847, C>T on the plus strand (G>A on the coding strand, the complement: ITSN2 is on the minus strand). VCF-style: chr2-24210847-C-T. GRCh37 (hg19) VCF-style: chr2-24433716-C-T.
Other names: c.4148G>A, p.Arg1383Gln (NM_001348181.2); c.4070G>A, p.Arg1357Gln (NM_001348182.2); c.4109G>A, p.Arg1370Gln (NM_019595.4); short protein forms R1357Q, R1370Q, R1383Q, R1397Q.
Identifiers: ClinVar variation 2468014 (VCV002468014.5), dbSNP rs139218934, ClinGen allele CA1550670.

ClinVar aggregate classification (germline): Uncertain significance. Review status: criteria provided, single submitter (1 of 4 stars). 2 submissions from 2 submitters: Uncertain significance (1). 1 of the submissions does not count toward it. Last evaluated 2025-06-08.

Conditions:
ITSN2-related disorder. Also called: ITSN2-related condition.

Allele frequency attached by ClinVar (database versions not stated): ExAC 0.00002; gnomAD 0.00003; TOPMed 0.00003; gnomAD exomes 0.00004; ESP Exome Variant Server 0.00008.
gnomAD v4.1: 62 of 1,613,982 alleles (0.0038%); highest among the groups gnomAD compares: Middle Eastern, 0.016%; no homozygotes.

Submissions (2):

Ambry Genetics
Classification: Uncertain significance. Last evaluated: 2025-06-08. Review status: criteria provided, single submitter. Criteria: Ambry Variant Classification Scheme 2023. Collection method: clinical testing. Allele origin: germline.

PreventionGenetics, part of Exact Sciences
Classification: Uncertain significance for ITSN2-related condition. Last evaluated: 2023-12-27. Review status: no assertion criteria provided. Collection method: clinical testing. Allele origin: germline. Not counted in ClinVar's aggregate classification.
Comment: The ITSN2 c.4190G>A variant is predicted to result in the amino acid substitution p.Arg1397Gln. To our knowledge, this variant has not been reported in the literature. This variant is reported in 0.0079% of alleles in individuals of European (Non-Finnish) descent in gnomAD. At this time, the clinical significance of this variant is uncertain due to the absence of conclusive functional and genetic evidence.